The following is an entry in ClinVar:

ClinVar aggregate classification (germline): Likely benign. Review status: criteria provided, single submitter (1 of 4 stars). 2 submissions from 2 submitters: Likely benign (1). 1 of the submissions does not count toward it. Last evaluated 2026-02-01.

Conditions:
JAG2-related disorder. Also called: JAG2-related condition.

Allele frequency attached by ClinVar (database versions not stated): 1000 Genomes Project 30x 0.00031; ESP Exome Variant Server 0.00047.
gnomAD v4.1: 1,151 of 1,599,578 alleles (0.072%); highest among the groups gnomAD compares: Admixed American, 0.21%; no homozygotes.

Submissions (2):

CeGaT Center for Human Genetics Tuebingen
Classification: Likely benign. Last evaluated: 2026-02-01. Review status: criteria provided, single submitter. Criteria: CeGaT Center For Human Genetics Tuebingen Variant Classification Criteria Version 2. Collection method: clinical testing. Allele origin: germline. Affected: yes. Observed: 2 variant alleles.
Comment: JAG2: BP4

PreventionGenetics, part of Exact Sciences
Classification: Likely benign for JAG2-related condition. Last evaluated: 2024-01-04. Review status: no assertion criteria provided. Collection method: clinical testing. Allele origin: germline. Not counted in ClinVar's aggregate classification.
Comment: This variant is classified as likely benign based on ACMG/AMP sequence variant interpretation guidelines (Richards et al. 2015 PMID: 25741868, with internal and published modifications).

NM_002226.5(JAG2):c.3706G>A (p.Gly1236Ser)

Gene: JAG2 (jagged canonical Notch ligand 2; minus strand). Cytogenetic location: 14q32.33.
Variant type: single nucleotide variant.
Coding change: c.3706G>A on transcript NM_002226.5 (MANE Select); coding-DNA position 3706, G replaced by A.
Protein change: p.Gly1236Ser; replaces glycine 1236 with serine.
Molecular consequence: missense variant.
Genome position (GRCh38, 1-based): chr14:105,142,706, C>T on the plus strand (G>A on the coding strand, the complement: JAG2 is on the minus strand). VCF-style: chr14-105142706-C-T. GRCh37 (hg19) VCF-style: chr14-105609043-C-T.
Other names: c.3592G>A, p.Gly1198Ser (NM_145159.3); short protein forms G1198S, G1236S.
Identifiers: ClinVar variation 3040430 (VCV003040430.15), dbSNP rs201557978, ClinGen allele CA7385096.